The following is an entry in ClinVar:

NM_005765.3(ATP6AP2):c.940A>T (p.Met314Leu)

Gene: ATP6AP2 (ATPase H+ transporting accessory protein 2; plus strand). Cytogenetic location: Xp11.4.
Variant type: single nucleotide variant.
Coding change: c.940A>T on transcript NM_005765.3 (MANE Select); coding-DNA position 940, A replaced by T.
Protein change: p.Met314Leu; replaces methionine 314 with leucine.
Molecular consequence: missense variant.
Genome position (GRCh38, 1-based): chrX:40,605,642, A>T. VCF-style: chrX-40605642-A-T. GRCh37 (hg19) VCF-style: chrX-40464894-A-T.
Other names: p.M314L:ATG>TTG; short protein forms M314L.
Identifiers: ClinVar variation 204920 (VCV000204920.3), dbSNP rs758003959, ClinGen allele CA313369.

ClinVar aggregate classification (germline): Conflicting classifications of pathogenicity. Review status: criteria provided, conflicting classifications (1 of 4 stars). 2 submissions from 2 submitters: Uncertain significance (1); Likely benign (1). Last evaluated 2024-07-02.

Conditions:
Inborn genetic diseases. Identifiers: MedGen C0950123, MeSH D030342.

Allele frequency attached by ClinVar (database versions not stated): gnomAD 0.00001; gnomAD exomes 0.00001 and 0.00002; ExAC 0.00003.
gnomAD v4.1: 14 of 1,206,553 alleles (0.0012%); highest among the groups gnomAD compares: South Asian, 0.025%; no homozygotes.

Submissions (2):

Ambry Genetics
Classification: Likely benign for Inborn genetic diseases. Last evaluated: 2024-07-02. Review status: criteria provided, single submitter. Criteria: Ambry Variant Classification Scheme 2023. Collection method: clinical testing. Allele origin: germline.

GeneDx
Classification: Uncertain significance. Last evaluated: 2013-12-17. Review status: criteria provided, single submitter. Criteria: GeneDx Variant Classification (06012015). Collection method: clinical testing. Allele origin: germline. Affected: yes.
Comment: p.Met314Leu (ATG>TTG): c.940 A>T in exon 9 of the ATP6AP2 gene (NM_005765.2). The missense change has not been published as a mutation, nor has it been reported as a benign polymorphism to our knowledge. It was not observed in approximately 6,500 individuals of European and African American ancestry in the NHLBI Exome Sequencing Project, indicating it is not a common benign variant in these populations. This variant is a conservative substitution of one uncharged, non-polar amino acid for another at a position that is not well conserved as Leucine is tolerated in evolution. In addition, missense mutations have not been reported in the ATP6AP2 gene to our knowledge. However, in silico analysis is inconsistent with regard to the effect this variant may have on protein structure/function. Therefore, the clinical and molecular information available at this time suggests that Met314Leu is likely non-pathogenic; however, the possibility that it is a disease-associated mutation cannot be excluded. The variant is found in EPILEPSY panel(s).